The following is an entry in ClinVar:

NM_015690.5(STK36):c.2347C>T (p.Leu783=)

Gene: STK36 (serine/threonine kinase 36; plus strand). Cytogenetic location: 2q35.
Variant type: single nucleotide variant.
Coding change: c.2347C>T on transcript NM_015690.5 (MANE Select); coding-DNA position 2347, C replaced by T.
Protein change: p.Leu783=; no amino-acid change (leucine 783 retained).
Molecular consequence: synonymous variant.
Genome position (GRCh38, 1-based): chr2:218,694,274, C>T. VCF-style: chr2-218694274-C-T. GRCh37 (hg19) VCF-style: chr2-219558997-C-T.
Other names: c.2347C>T, p.Leu783= (NM_001243313.2, NM_001369423.1).
Identifiers: ClinVar variation 3047131 (VCV003047131.2), dbSNP rs142440976, ClinGen allele CA2111088.

ClinVar aggregate classification (germline): Likely benign (0 of 4 stars; one submission).

Conditions:
STK36-related disorder. Also called: STK36-related condition.

gnomAD v4.1: 37 of 1,613,910 alleles (0.0023%); highest among the groups gnomAD compares: Non-Finnish European, 0.0031%; no homozygotes.

Submission:

PreventionGenetics, part of Exact Sciences
Classification: Likely benign for STK36-related condition. Last evaluated: 2019-03-28. Review status: no assertion criteria provided. Collection method: clinical testing. Allele origin: germline.
Comment: This variant is classified as likely benign based on ACMG/AMP sequence variant interpretation guidelines (Richards et al. 2015 PMID: 25741868, with internal and published modifications).